The following is an entry in ClinVar:

NM_001136191.3(KANK2):c.1270G>A (p.Glu424Lys)

Gene: KANK2 (KN motif and ankyrin repeat domains 2; minus strand). Cytogenetic location: 19p13.2.
Variant type: single nucleotide variant.
Coding change: c.1270G>A on transcript NM_001136191.3 (MANE Select); coding-DNA position 1270, G replaced by A.
Protein change: p.Glu424Lys; replaces glutamic acid 424 with lysine.
Molecular consequence: missense variant.
Genome position (GRCh38, 1-based): chr19:11,178,700, C>T on the plus strand (G>A on the coding strand, the complement: KANK2 is on the minus strand). VCF-style: chr19-11178700-C-T. GRCh37 (hg19) VCF-style: chr19-11289376-C-T.
Other names: c.1270G>A, p.Glu424Lys (NM_001329451.2, NM_001379548.1, NM_001379549.1 and 15 more transcripts); short protein forms E424K.
Identifiers: ClinVar variation 4751722 (VCV004751722.1).

ClinVar aggregate classification (germline): Uncertain significance (1 of 4 stars; one submission).

gnomAD v4.1: 23 of 1,532,714 alleles (0.0015%); highest among the groups gnomAD compares: Admixed American, 0.0071%; no homozygotes.

Submission:

Labcorp Genetics (formerly Invitae), Labcorp
Classification: Uncertain significance. Last evaluated: 2025-09-03. Review status: criteria provided, single submitter. Criteria: Invitae Variant Classification Sherloc (09022015). Collection method: clinical testing. Allele origin: germline.
Comment: This sequence change replaces glutamic acid, which is acidic and polar, with lysine, which is basic and polar, at codon 424 of the KANK2 protein (p.Glu424Lys). This variant is present in population databases (rs376142633, gnomAD 0.008%). This variant has not been reported in the literature in individuals affected with KANK2-related conditions. An algorithm developed to predict the effect of missense changes on protein structure and function (PolyPhen-2) suggests that this variant is likely to be tolerated. In summary, the available evidence is currently insufficient to determine the role of this variant in disease. Therefore, it has been classified as a Variant of Uncertain Significance.